The following is an entry in ClinVar:

ClinVar aggregate classification (germline): Uncertain significance (1 of 4 stars; one submission).

Conditions:
Neuropathy, hereditary sensory and autonomic, type 2A (HSAN2A). Also called: ACROOSTEOLYSIS, GIACCAI TYPE; ACROOSTEOLYSIS, NEUROGENIC; MORVAN DISEASE; NEUROPATHY, CONGENITAL SENSORY; NEUROPATHY, HEREDITARY SENSORY RADICULAR, AUTOSOMAL RECESSIVE; NEUROPATHY, HEREDITARY SENSORY, TYPE IIA. Identifiers: Orphanet 970, MedGen C2752089, MONDO:0024309, OMIM 201300.
Generalized epilepsy with febrile seizures plus, type 7 (GEFSP7). Also called: GEFS+, TYPE 7. Identifiers: Orphanet 36387, MedGen C2751778, MONDO:0013470, OMIM 613863.

Allele frequency attached by ClinVar (database versions not stated): gnomAD exomes below 0.00001; TOPMed below 0.00001; gnomAD 0.00001.
gnomAD v4.1: 1 of 1,607,034 alleles (0.000062%); highest among the groups gnomAD compares: Non-Finnish European, 0.000085%; no homozygotes.

Submission:

Labcorp Genetics (formerly Invitae), Labcorp
Classification: Uncertain significance for Neuropathy, hereditary sensory and autonomic, type 2A; Generalized epilepsy with febrile seizures plus, type 7. Last evaluated: 2024-07-21. Review status: criteria provided, single submitter. Criteria: Invitae Variant Classification Sherloc (09022015). Collection method: clinical testing. Allele origin: germline.
Comment: This sequence change replaces proline, which is neutral and non-polar, with arginine, which is basic and polar, at codon 532 of the SCN9A protein (p.Pro532Arg). This variant is present in population databases (no rsID available, gnomAD 0.0009%). This variant has not been reported in the literature in individuals affected with SCN9A-related conditions. ClinVar contains an entry for this variant (Variation ID: 538481). Advanced modeling of protein sequence and biophysical properties (such as structural, functional, and spatial information, amino acid conservation, physicochemical variation, residue mobility, and thermodynamic stability) has been performed at Invitae for this missense variant, however the output from this modeling did not meet the statistical confidence thresholds required to predict the impact of this variant on SCN9A protein function. In summary, the available evidence is currently insufficient to determine the role of this variant in disease. Therefore, it has been classified as a Variant of Uncertain Significance.

NM_001365536.1(SCN9A):c.1595C>G (p.Pro532Arg)

Genes: SCN1A-AS1 (SCN1A and SCN9A antisense RNA 1; plus strand), SCN9A (sodium voltage-gated channel alpha subunit 9; minus strand). Cytogenetic location: 2q24.3.
Variant type: single nucleotide variant.
Coding change: c.1595C>G on transcript NM_001365536.1 (MANE Select); coding-DNA position 1595, C replaced by G.
Protein change: p.Pro532Arg; replaces proline 532 with arginine.
Molecular consequence: missense variant.
Genome position (GRCh38, 1-based): chr2:166,286,343, G>C on the plus strand (C>G on the coding strand, the complement: SCN9A is on the minus strand). VCF-style: chr2-166286343-G-C. GRCh37 (hg19) VCF-style: chr2-167142853-G-C.
Other names: c.1595C>G, p.Pro532Arg (NM_002977.4); short protein forms P532R.
Identifiers: ClinVar variation 538481 (VCV000538481.11), dbSNP rs1416039322, ClinGen allele CA349084182.